The following is an entry in ClinVar:

NM_015681.6(B9D1):c.302G>A (p.Arg101Gln)

Gene: B9D1 (B9 domain containing 1; minus strand). Cytogenetic location: 17p11.2.
Variant type: single nucleotide variant.
Coding change: c.302G>A on transcript NM_015681.6 (MANE Select); coding-DNA position 302, G replaced by A.
Protein change: p.Arg101Gln; replaces arginine 101 with glutamine.
Molecular consequence: missense variant. On other transcripts: 5 prime UTR variant (1).
Genome position (GRCh38, 1-based): chr17:19,347,823, C>T on the plus strand (G>A on the coding strand, the complement: B9D1 is on the minus strand). VCF-style: chr17-19347823-C-T. GRCh37 (hg19) VCF-style: chr17-19251136-C-T.
Other names: c.302G>A, p.Arg101Gln (NM_001321214.2, NM_001321215.3, NM_001321216.2 and 4 more transcripts); c.-59G>A (NM_001368769.2); c.302G>A (NM_015681.3); short protein forms R101Q.
Identifiers: ClinVar variation 2143754 (VCV002143754.5), dbSNP rs148240978, ClinGen allele CA8440274.

ClinVar aggregate classification (germline): Uncertain significance. Review status: criteria provided, multiple submitters, no conflicts (2 of 4 stars). 2 submissions from 2 submitters: Uncertain significance (2). Last evaluated 2025-03-25.

Conditions:
Inborn genetic diseases. Identifiers: MedGen C0950123, MeSH D030342.
Joubert syndrome. Also called: CEREBELLOPARENCHYMAL DISORDER IV; JOUBERT-BOLTSHAUSER SYNDROME; Familial aplasia of the vermis. Identifiers: Orphanet 475, MedGen C5979921, MONDO:0018772.
Meckel-Gruber syndrome. Also called: DYSENCEPHALIA SPLANCHNOCYSTICA; GRUBER SYNDROME; Dysencephalia splachnocystica. Identifiers: Orphanet 564, MedGen C0265215, MONDO:0018921.

Allele frequency attached by ClinVar (database versions not stated): ExAC 0.00002; gnomAD 0.00002; TOPMed 0.00004; ESP Exome Variant Server 0.00008.
gnomAD v4.1: 118 of 1,613,938 alleles (0.0073%); highest among the groups gnomAD compares: Non-Finnish European, 0.0098%; no homozygotes.

Submissions (2):

Ambry Genetics
Classification: Uncertain significance for Inborn genetic diseases. Last evaluated: 2025-03-25. Review status: criteria provided, single submitter. Criteria: Ambry Variant Classification Scheme 2023. Collection method: clinical testing. Allele origin: germline.

Labcorp Genetics (formerly Invitae), Labcorp
Classification: Uncertain significance for Joubert syndrome; Meckel-Gruber syndrome. Last evaluated: 2021-12-21. Review status: criteria provided, single submitter. Criteria: Invitae Variant Classification Sherloc (09022015). Collection method: clinical testing. Allele origin: germline.
Comment: In summary, the available evidence is currently insufficient to determine the role of this variant in disease. Therefore, it has been classified as a Variant of Uncertain Significance. Algorithms developed to predict the effect of missense changes on protein structure and function are either unavailable or do not agree on the potential impact of this missense change (SIFT: "Tolerated"; PolyPhen-2: "Possibly Damaging"; Align-GVGD: "Class C0"). This variant has not been reported in the literature in individuals affected with B9D1-related conditions. This variant is present in population databases (rs148240978, gnomAD 0.002%). This sequence change replaces arginine, which is basic and polar, with glutamine, which is neutral and polar, at codon 101 of the B9D1 protein (p.Arg101Gln).